The following is an entry in ClinVar:

ClinVar aggregate classification (germline): Likely pathogenic (1 of 4 stars; one submission).

Submission:

Labcorp Genetics (formerly Invitae), Labcorp
Classification: Likely pathogenic. Last evaluated: 2026-01-18. Review status: criteria provided, single submitter. Criteria: Invitae Variant Classification Sherloc (09022015). Collection method: clinical testing. Allele origin: germline.
Comment: This sequence change affects a donor splice site in intron 36 of the COL27A1 gene. It is expected to disrupt RNA splicing. Variants that disrupt the donor or acceptor splice site typically lead to a loss of protein function (PMID: 16199547), and loss-of-function variants in COL27A1 are known to be pathogenic (PMID: 24986830, 28276056). This variant is not present in population databases (gnomAD no frequency). This variant has not been reported in the literature in individuals affected with COL27A1-related conditions. ClinVar contains an entry for this variant (Variation ID: 1066399). Algorithms developed to predict the effect of sequence changes on RNA splicing suggest that this variant may disrupt the consensus splice site. In summary, the currently available evidence indicates that the variant is pathogenic, but additional data are needed to prove that conclusively. Therefore, this variant has been classified as Likely Pathogenic.

Literature cited by the submitters: PubMed 16199547; PubMed 24986830; PubMed 28276056.

NM_032888.4(COL27A1):c.3609+1G>T

Gene: COL27A1 (collagen type XXVII alpha 1 chain; plus strand). Cytogenetic location: 9q32.
Variant type: single nucleotide variant.
Coding change: c.3609+1G>T on transcript NM_032888.4 (MANE Select); the canonical splice donor site of the intron after coding-DNA position 3609, G replaced by T.
Molecular consequence: splice donor variant.
Genome position (GRCh38, 1-based): chr9:114,270,782, G>T. VCF-style: chr9-114270782-G-T. GRCh37 (hg19) VCF-style: chr9-117033062-G-T.
Identifiers: ClinVar variation 1066399 (VCV001066399.7), dbSNP rs2135633751, ClinGen allele CA374597890.